The following is an entry in ClinVar:

ClinVar aggregate classification (germline): Conflicting classifications of pathogenicity. Review status: criteria provided, conflicting classifications (1 of 4 stars). 2 submissions from 2 submitters: Uncertain significance (1); Likely benign (1). Last evaluated 2022-03-09.

Conditions:
Batten-Turner congenital myopathy. Also called: Congenital myotonia. Identifiers: Orphanet 206973, MedGen C0027127, MONDO:0100468, OMIM 255300.

Allele frequency attached by ClinVar (database versions not stated): gnomAD 0.00014; TOPMed 0.00021.
gnomAD v4.1: 445 of 1,612,088 alleles (0.028%); highest among the groups gnomAD compares: Non-Finnish European, 0.036%; no homozygotes.

Submissions (2):

Revvity Omics, Revvity
Classification: Uncertain significance. Last evaluated: 2022-03-09. Review status: criteria provided, single submitter. Criteria: ACMG Guidelines, 2015. Collection method: clinical testing. Allele origin: germline.

Illumina Laboratory Services, Illumina
Classification: Likely benign for Myotonia congenita. Last evaluated: 2018-01-13. Review status: criteria provided, single submitter. Criteria: ICSL Variant Classification Criteria 13 December 2019. Collection method: clinical testing. Allele origin: germline.
Comment: This variant was observed in the ICSL laboratory as part of a predisposition screen in an ostensibly healthy population. It had not been previously curated by ICSL or reported in the Human Gene Mutation Database (HGMD: prior to June 1st, 2018), and was therefore a candidate for classification through an automated scoring system. Utilizing variant allele frequency, disease prevalence and penetrance estimates, and inheritance mode, an automated score was calculated to assess if this variant is too frequent to cause the disease. Based on the score and internal cut-off values, a variant classified as likely benign is not then subjected to further curation. The score for this variant resulted in a classification of likely benign for this disease.

NM_000083.3(CLCN1):c.*29C>A

Gene: CLCN1 (chloride voltage-gated channel 1; plus strand). Cytogenetic location: 7q34.
Variant type: single nucleotide variant.
Coding change: c.*29C>A on transcript NM_000083.3 (MANE Select); 29 bases downstream of the stop codon, C replaced by A.
Molecular consequence: 3 prime UTR variant. On other transcripts: non-coding transcript variant (1).
Genome position (GRCh38, 1-based): chr7:143,351,994, C>A. VCF-style: chr7-143351994-C-A. GRCh37 (hg19) VCF-style: chr7-143049087-C-A.
Identifiers: ClinVar variation 359129 (VCV000359129.7), dbSNP rs202172391, ClinGen allele CA4537831.